The following is an entry in ClinVar:

NM_021830.5(TWNK):c.148A>G (p.Met50Val)

Gene: TWNK (twinkle mtDNA helicase; plus strand). Cytogenetic location: 10q24.31.
Variant type: single nucleotide variant.
Coding change: c.148A>G on transcript NM_021830.5 (MANE Select); coding-DNA position 148, A replaced by G.
Protein change: p.Met50Val; replaces methionine 50 with valine.
Molecular consequence: missense variant. On other transcripts: non-coding transcript variant (4), intron variant (3).
Genome position (GRCh38, 1-based): chr10:100,988,358, A>G. VCF-style: chr10-100988358-A-G. GRCh37 (hg19) VCF-style: chr10-102748115-A-G.
Other names: c.148A>G, p.Met50Val (NM_001163812.2); c.-120+745A>G (NM_001163814.2, NM_001163813.2); c.-58+745A>G (NM_001368275.1); short protein forms M50V.
Identifiers: ClinVar variation 4802639 (VCV004802639.1).

ClinVar aggregate classification (germline): Uncertain significance (1 of 4 stars; one submission).

Submission:

Labcorp Genetics (formerly Invitae), Labcorp
Classification: Uncertain significance. Last evaluated: 2025-08-09. Review status: criteria provided, single submitter. Criteria: Invitae Variant Classification Sherloc (09022015). Collection method: clinical testing. Allele origin: germline.
Comment: This sequence change replaces methionine, which is neutral and non-polar, with valine, which is neutral and non-polar, at codon 50 of the TWNK protein (p.Met50Val). This variant is not present in population databases (gnomAD no frequency). This variant has not been reported in the literature in individuals affected with TWNK-related conditions. Invitae Evidence Modeling of protein sequence and biophysical properties (such as structural, functional, and spatial information, amino acid conservation, physicochemical variation, residue mobility, and thermodynamic stability) indicates that this missense variant is not expected to disrupt TWNK protein function with a negative predictive value of 95%. In summary, the available evidence is currently insufficient to determine the role of this variant in disease. Therefore, it has been classified as a Variant of Uncertain Significance.